The following is an entry in ClinVar:

NM_001378454.1(ALMS1):c.6853C>G (p.Arg2285Gly)

Gene: ALMS1 (ALMS1 centrosome and basal body associated protein; plus strand). Cytogenetic location: 2p13.1.
Variant type: single nucleotide variant.
Coding change: c.6853C>G on transcript NM_001378454.1 (MANE Select); coding-DNA position 6853, C replaced by G.
Protein change: p.Arg2285Gly; replaces arginine 2285 with glycine.
Molecular consequence: missense variant.
Genome position (GRCh38, 1-based): chr2:73,453,380, C>G. VCF-style: chr2-73453380-C-G. GRCh37 (hg19) VCF-style: chr2-73680507-C-G.
Other names: c.6856C>G, p.Arg2286Gly (NM_015120.4); short protein forms R2285G, R2286G.
Identifiers: ClinVar variation 1448689 (VCV001448689.3), dbSNP rs375458331, ClinGen allele CA347289694.

ClinVar aggregate classification (germline): Uncertain significance (1 of 4 stars; one submission).

Conditions:
Alstrom syndrome (ALMS). Identifiers: Orphanet 64, MedGen C0268425, MONDO:0008763, OMIM 203800.

Submission:

Labcorp Genetics (formerly Invitae), Labcorp
Classification: Uncertain significance for Alstrom syndrome. Last evaluated: 2021-09-26. Review status: criteria provided, single submitter. Criteria: Invitae Variant Classification Sherloc (09022015). Collection method: clinical testing. Allele origin: germline.
Comment: This sequence change replaces arginine with glycine at codon 2286 of the ALMS1 protein (p.Arg2286Gly). The arginine residue is weakly conserved and there is a moderate physicochemical difference between arginine and glycine. This variant is not present in population databases (ExAC no frequency). This variant has not been reported in the literature in individuals affected with ALMS1-related conditions. Experimental studies and prediction algorithms are not available or were not evaluated, and the functional significance of this variant is currently unknown. In summary, the available evidence is currently insufficient to determine the role of this variant in disease. Therefore, it has been classified as a Variant of Uncertain Significance.